The following is an entry in ClinVar:

ClinVar aggregate classification (germline): Uncertain significance (1 of 4 stars; one submission).

Conditions:
Glycogen storage disease type III (GSD3). Also called: FORBES DISEASE; Cori disease. Identifiers: Orphanet 366, MedGen C0017922, MONDO:0009291, OMIM 232400.

Allele frequency attached by ClinVar (database versions not stated): TOPMed 0.00002.
gnomAD v4.1: 26 of 1,613,350 alleles (0.0016%); highest among the groups gnomAD compares: Non-Finnish European, 0.0022%; no homozygotes.

Submission:

Labcorp Genetics (formerly Invitae), Labcorp
Classification: Uncertain significance for Glycogen storage disease type III. Last evaluated: 2022-06-22. Review status: criteria provided, single submitter. Criteria: Invitae Variant Classification Sherloc (09022015). Collection method: clinical testing. Allele origin: germline.
Comment: This sequence change replaces arginine, which is basic and polar, with leucine, which is neutral and non-polar, at codon 1116 of the AGL protein (p.Arg1116Leu). This variant is present in population databases (no rsID available, gnomAD 0.0009%). This variant has not been reported in the literature in individuals affected with AGL-related conditions. ClinVar contains an entry for this variant (Variation ID: 566267). Algorithms developed to predict the effect of missense changes on protein structure and function are either unavailable or do not agree on the potential impact of this missense change (SIFT: "Deleterious"; PolyPhen-2: "Probably Damaging"; Align-GVGD: "Class C0"). In summary, the available evidence is currently insufficient to determine the role of this variant in disease. Therefore, it has been classified as a Variant of Uncertain Significance.

NM_000642.3(AGL):c.3347G>T (p.Arg1116Leu)

Gene: AGL (amylo-alpha-1,6-glucosidase and 4-alpha-glucanotransferase; plus strand). Cytogenetic location: 1p21.2.
Variant type: single nucleotide variant.
Coding change: c.3347G>T on transcript NM_000642.3 (MANE Select); coding-DNA position 3347, G replaced by T.
Protein change: p.Arg1116Leu; replaces arginine 1116 with leucine.
Molecular consequence: missense variant.
Genome position (GRCh38, 1-based): chr1:99,896,373, G>T. VCF-style: chr1-99896373-G-T. GRCh37 (hg19) VCF-style: chr1-100361929-G-T.
Other names: c.3347G>T, p.Arg1116Leu (NM_000028.3, NM_000643.3, NM_000644.3 and 1 more transcripts); c.3299G>T, p.Arg1100Leu (NM_000646.3); c.3326G>T, p.Arg1109Leu (NM_001425326.1); c.3146G>T, p.Arg1049Leu (NM_001425327.1); c.3143G>T, p.Arg1048Leu (NM_001425328.1); c.3008G>T, p.Arg1003Leu (NM_001425329.1); c.2969G>T, p.Arg990Leu (NM_001425332.1); short protein forms R1116L, R1100L, R1003L, R1048L, R1049L, R1109L, R990L.
Identifiers: ClinVar variation 566267 (VCV000566267.6), dbSNP rs746779518, ClinGen allele CA27534565.